The following is an entry in ClinVar:

NM_000138.5(FBN1):c.164+3A>C

Gene: FBN1 (fibrillin 1; minus strand). Cytogenetic location: 15q21.1.
Variant type: single nucleotide variant.
Coding change: c.164+3A>C on transcript NM_000138.5 (MANE Select); 3 bases into the intron after coding-DNA position 164, A replaced by C.
Molecular consequence: intron variant.
Genome position (GRCh38, 1-based): chr15:48,644,603, T>G on the plus strand (A>C on the coding strand, the complement: FBN1 is on the minus strand). VCF-style: chr15-48644603-T-G. GRCh37 (hg19) VCF-style: chr15-48936800-T-G.
Identifiers: ClinVar variation 641908 (VCV000641908.8), dbSNP rs1597652265, ClinGen allele CA392453387.

ClinVar aggregate classification (germline): Uncertain significance (1 of 4 stars; one submission).

Conditions:
Familial thoracic aortic aneurysm and aortic dissection (TAAD). Also called: Thoracic aortic aneurysms and dissections. Identifiers: Orphanet 91387, MedGen C4707243, MONDO:0019625.
Marfan syndrome (MFS). Also called: FBN1-Related Marfan Syndrome; Marfan syndrome type 1; Marfan's syndrome; Marfan syndrome, classic; MARFAN SYNDROME, TYPE I. Identifiers: Orphanet 284963, Orphanet 558, MedGen C0024796, MONDO:0007947, OMIM 154700.

Submission:

Labcorp Genetics (formerly Invitae), Labcorp
Classification: Uncertain significance for Marfan syndrome; Familial thoracic aortic aneurysm and aortic dissection. Last evaluated: 2019-07-22. Review status: criteria provided, single submitter. Criteria: Invitae Variant Classification Sherloc (09022015). Collection method: clinical testing. Allele origin: germline.
Comment: This variant has not been reported in the literature in individuals with FBN1-related conditions. In summary, the available evidence is currently insufficient to determine the role of this variant in disease. Therefore, it has been classified as a Variant of Uncertain Significance. Nucleotide substitutions within the consensus splice site are a relatively common cause of aberrant splicing (PMID: 17576681, 9536098). Algorithms developed to predict the effect of sequence changes on RNA splicing suggest that this variant may disrupt the consensus splice site, but this prediction has not been confirmed by published transcriptional studies. This variant is not present in population databases (ExAC no frequency). This sequence change falls in intron 2 of the FBN1 gene. It does not directly change the encoded amino acid sequence of the FBN1 protein, but it affects a nucleotide within the consensus splice site of the intron.

Literature cited by the submitters: PubMed 17576681; PubMed 9536098.